The following is an entry in ClinVar:

NM_000368.5(TSC1):c.2176G>C (p.Ala726Pro)

Gene: TSC1 (TSC complex subunit 1; minus strand). Cytogenetic location: 9q34.13.
Variant type: single nucleotide variant.
Coding change: c.2176G>C on transcript NM_000368.5 (MANE Select); coding-DNA position 2176, G replaced by C.
Protein change: p.Ala726Pro; replaces alanine 726 with proline.
Molecular consequence: missense variant. On other transcripts: non-coding transcript variant (4).
Genome position (GRCh38, 1-based): chr9:132,903,683, C>G on the plus strand (G>C on the coding strand, the complement: TSC1 is on the minus strand). VCF-style: chr9-132903683-C-G. GRCh37 (hg19) VCF-style: chr9-135779070-C-G.
Other names: c.2173G>C, p.Ala725Pro (NM_001162426.2, NM_001406597.1, NM_001406598.1 and 4 more transcripts); c.2023G>C, p.Ala675Pro (NM_001162427.2, NM_001406610.1); c.1813G>C, p.Ala605Pro (NM_001362177.2, NM_001406614.1, NM_001406615.1 and 5 more transcripts); c.2176G>C, p.Ala726Pro (NM_001406592.1, NM_001406593.1, NM_001406594.1 and 5 more transcripts); c.2020G>C, p.Ala674Pro (NM_001406611.1, NM_001406612.1, NM_001406613.1); c.1222G>C, p.Ala408Pro (NM_001406628.1, NM_001406627.1); c.1123G>C, p.Ala375Pro (NM_001406629.1, NM_001406630.1); c.2161G>C, p.Ala721Pro (NM_001406601.1, NM_001406602.1); and 3 more; short protein forms A408P, A721P, A375P, A605P, A674P, A720P, A726P, A409P.
Identifiers: ClinVar variation 4759883 (VCV004759883.1).

ClinVar aggregate classification (germline): Uncertain significance (1 of 4 stars; one submission).

Conditions:
Tuberous sclerosis 1 (TSC1). Identifiers: Orphanet 805, MedGen C1854465, MONDO:0008612, OMIM 191100.

Submission:

Labcorp Genetics (formerly Invitae), Labcorp
Classification: Uncertain significance for Tuberous sclerosis 1. Last evaluated: 2025-07-06. Review status: criteria provided, single submitter. Criteria: Invitae Variant Classification Sherloc (09022015). Collection method: clinical testing. Allele origin: germline.
Comment: This sequence change replaces alanine, which is neutral and non-polar, with proline, which is neutral and non-polar, at codon 726 of the TSC1 protein (p.Ala726Pro). This variant is not present in population databases (gnomAD no frequency). This variant has not been reported in the literature in individuals affected with TSC1-related conditions. Invitae Evidence Modeling of protein sequence and biophysical properties (such as structural, functional, and spatial information, amino acid conservation, physicochemical variation, residue mobility, and thermodynamic stability) has been performed for this missense variant. However, the output from this modeling did not meet the statistical confidence thresholds required to predict the impact of this variant on TSC1 protein function. In summary, the available evidence is currently insufficient to determine the role of this variant in disease. Therefore, it has been classified as a Variant of Uncertain Significance.